The following is an entry in ClinVar:

NM_198576.4(AGRN):c.1405C>T (p.Leu469Phe)

Gene: AGRN (agrin; plus strand). Cytogenetic location: 1p36.33.
Variant type: single nucleotide variant.
Coding change: c.1405C>T on transcript NM_198576.4 (MANE Select); coding-DNA position 1405, C replaced by T.
Protein change: p.Leu469Phe; replaces leucine 469 with phenylalanine.
Molecular consequence: missense variant.
Genome position (GRCh38, 1-based): chr1:1,043,259, C>T. VCF-style: chr1-1043259-C-T. GRCh37 (hg19) VCF-style: chr1-978639-C-T.
Other names: c.1405C>T, p.Leu469Phe (NM_001305275.2); c.1090C>T, p.Leu364Phe (NM_001364727.2); short protein forms L469F, L364F.
Identifiers: ClinVar variation 571178 (VCV000571178.6), dbSNP rs752078908, ClinGen allele CA508173.

ClinVar aggregate classification (germline): Uncertain significance (1 of 4 stars; one submission).

Conditions:
Congenital myasthenic syndrome 8. Also called: Myasthenic syndrome, congenital, 8, with pre- and postsynaptic defects; MYASTHENIC SYNDROME, CONGENITAL, DUE TO AGRIN DEFICIENCY. Identifiers: Orphanet 590, MedGen C3808739, MONDO:0014052, OMIM 615120.

Allele frequency attached by ClinVar (database versions not stated): gnomAD 0.00001; TOPMed 0.00001; gnomAD exomes 0.00002 and 0.00003; ExAC 0.00005.
gnomAD v4.1: 49 of 1,609,282 alleles (0.003%); highest among the groups gnomAD compares: Non-Finnish European, 0.0041%; no homozygotes.

Submission:

Labcorp Genetics (formerly Invitae), Labcorp
Classification: Uncertain significance for Congenital myasthenic syndrome 8. Last evaluated: 2022-07-21. Review status: criteria provided, single submitter. Criteria: Invitae Variant Classification Sherloc (09022015). Collection method: clinical testing. Allele origin: germline.
Comment: This sequence change replaces leucine, which is neutral and non-polar, with phenylalanine, which is neutral and non-polar, at codon 469 of the AGRN protein (p.Leu469Phe). This variant is present in population databases (rs752078908, gnomAD 0.004%). This variant has not been reported in the literature in individuals affected with AGRN-related conditions. ClinVar contains an entry for this variant (Variation ID: 571178). Algorithms developed to predict the effect of missense changes on protein structure and function are either unavailable or do not agree on the potential impact of this missense change (SIFT: "Tolerated"; PolyPhen-2: "Possibly Damaging"; Align-GVGD: "Class C0"). In summary, the available evidence is currently insufficient to determine the role of this variant in disease. Therefore, it has been classified as a Variant of Uncertain Significance.